The following is an entry in ClinVar:

ClinVar aggregate classification (germline): Uncertain significance. Review status: criteria provided, multiple submitters, no conflicts (2 of 4 stars). 2 submissions from 2 submitters: Uncertain significance (2). Last evaluated 2024-11-16.

Conditions:
Hypercalcemia, infantile, 1 (HCINF1). Identifiers: Orphanet 300547, MedGen CN031131, MONDO:0020739, OMIM 143880.

Allele frequency attached by ClinVar (database versions not stated): ExAC 0.00006; gnomAD 0.00007; gnomAD exomes 0.00007; ESP Exome Variant Server 0.00023.
gnomAD v4.1: 123 of 1,613,684 alleles (0.0076%); highest among the groups gnomAD compares: Middle Eastern, 0.033%; no homozygotes.

Submissions (2):

Labcorp Genetics (formerly Invitae), Labcorp
Classification: Uncertain significance. Last evaluated: 2024-11-16. Review status: criteria provided, single submitter. Criteria: Invitae Variant Classification Sherloc (09022015). Collection method: clinical testing. Allele origin: germline.
Comment: This sequence change falls in intron 3 of the CYP24A1 gene. It does not directly change the encoded amino acid sequence of the CYP24A1 protein. This variant is present in population databases (rs373305362, gnomAD 0.01%). This variant has been observed in individual(s) with clinical features of CYP24A1-related conditions (internal data). In at least one individual the data is consistent with being in trans (on the opposite chromosome) from a pathogenic variant. ClinVar contains an entry for this variant (Variation ID: 1494971). Algorithms developed to predict the effect of sequence changes on RNA splicing suggest that this variant may disrupt the consensus splice site. In summary, the available evidence is currently insufficient to determine the role of this variant in disease. Therefore, it has been classified as a Variant of Uncertain Significance.

Fulgent Genetics
Classification: Uncertain significance for Hypercalcemia, infantile, 1. Last evaluated: 2024-05-10. Review status: criteria provided, single submitter. Criteria: ACMG Guidelines, 2015. Collection method: clinical testing. Allele origin: germline.

NM_000782.5(CYP24A1):c.544-17G>A

Gene: CYP24A1 (cytochrome P450 family 24 subfamily A member 1; minus strand). Cytogenetic location: 20q13.2.
Variant type: single nucleotide variant.
Coding change: c.544-17G>A on transcript NM_000782.5 (MANE Select); 17 bases into the intron before coding-DNA position 544, G replaced by A.
Molecular consequence: intron variant.
Genome position (GRCh38, 1-based): chr20:54,169,705, C>T on the plus strand (G>A on the coding strand, the complement: CYP24A1 is on the minus strand). VCF-style: chr20-54169705-C-T. GRCh37 (hg19) VCF-style: chr20-52786244-C-T.
Other names: c.544-17G>A (NM_001128915.2).
Identifiers: ClinVar variation 1494971 (VCV001494971.9), dbSNP rs373305362, ClinGen allele CA9916100.
Genomic context (GRCh38, chr20:54,169,705, plus strand): 5'-TCATCACAGAGCTCATCTATTCTGCCCATAAAATCGGCCAAGACCTTCAAAGAAAACAAC[C>T]GCAAAAGACACATTTTAAAGCCGTTGAAGGAAAACAAAACTTTAAAGCTCACTGAGCTAA-3'